The following is an entry in ClinVar:

NM_000553.6(WRN):c.1835C>G (p.Ser612Cys)

Gene: WRN (WRN RecQ like helicase; plus strand). Cytogenetic location: 8p12.
Variant type: single nucleotide variant.
Coding change: c.1835C>G on transcript NM_000553.6 (MANE Select); coding-DNA position 1835, C replaced by G.
Protein change: p.Ser612Cys; replaces serine 612 with cysteine.
Molecular consequence: missense variant.
Genome position (GRCh38, 1-based): chr8:31,091,835, C>G. VCF-style: chr8-31091835-C-G. GRCh37 (hg19) VCF-style: chr8-30949351-C-G.
Other names: short protein forms S612C.
Identifiers: ClinVar variation 135419 (VCV000135419.12), dbSNP rs11574250, ClinGen allele CA162704.
Genomic context (GRCh38, chr8:31,091,835, plus strand): 5'-AATTGATATGTGTAATGTGTACATGGTGCCAGAATATTTGTTTTTCTTCTTATAGAATGT[C>G]CAACATCCCAGCTTGCTTCCTTGGATCAGCACAGTCAGAAAATGTTCTAACAGATATTAA-3'
Protein context (NP_000544.2, residues 602-622): MEDQVLQLKM[Ser612Cys]NIPACFLGSA

ClinVar aggregate classification (germline): Conflicting classifications of pathogenicity. Review status: criteria provided, conflicting classifications (1 of 4 stars). 3 submissions from 3 submitters: Uncertain significance (1); Likely benign (1). 1 of the submissions does not count toward it. Last evaluated 2026-01-13.

Conditions:
Werner syndrome (WRN). Identifiers: Orphanet 902, MedGen C0043119, MONDO:0010196, OMIM 277700.

Allele frequency attached by ClinVar (database versions not stated): ESP Exome Variant Server 0.00062; gnomAD 0.00067; 1000 Genomes Project 30x 0.00109; gnomAD exomes 0.00004; ExAC 0.00017; TOPMed 0.00042; 1000 Genomes Project 0.00120.
gnomAD v4.1: 142 of 1,612,984 alleles (0.0088%); highest among the groups gnomAD compares: African/African-American, 0.17%; 1 homozygote.

Submissions (3):

Labcorp Genetics (formerly Invitae), Labcorp
Classification: Likely benign for Werner syndrome. Last evaluated: 2026-01-13. Review status: criteria provided, single submitter. Criteria: Invitae Variant Classification Sherloc (09022015). Collection method: clinical testing. Allele origin: germline.

Illumina Laboratory Services, Illumina
Classification: Uncertain significance for Werner syndrome. Last evaluated: 2017-04-27. Review status: criteria provided, single submitter. Criteria: ICSL Variant Classification Criteria 13 December 2019. Collection method: clinical testing. Allele origin: germline.

ITMI
No classification provided. Condition: AllHighlyPenetrant. Last evaluated: 2013-09-19. Review status: no classification provided. Collection method: reference population. Allele origin: germline. Not counted in ClinVar's aggregate classification.
Comment: Please see associated publication for description of ethnicities

Literature cited by the submitters: PubMed 24728327 (cited by ITMI).